The following is an entry in ClinVar:

NM_015215.4(CAMTA1):c.1819C>G (p.His607Asp)

Gene: CAMTA1 (calmodulin binding transcription activator 1; plus strand). Cytogenetic location: 1p36.23.
Variant type: single nucleotide variant.
Coding change: c.1819C>G on transcript NM_015215.4 (MANE Select); coding-DNA position 1819, C replaced by G.
Protein change: p.His607Asp; replaces histidine 607 with aspartic acid.
Molecular consequence: missense variant.
Genome position (GRCh38, 1-based): chr1:7,664,366, C>G. VCF-style: chr1-7664366-C-G. GRCh37 (hg19) VCF-style: chr1-7724426-C-G.
Other names: c.1729C>G, p.His577Asp (NM_001349608.2, NM_001349612.2); c.1819C>G, p.His607Asp (NM_001349609.2, NM_001349610.2, NM_001410737.1); c.1747C>G, p.His583Asp (NM_001410738.1); short protein forms H577D, H583D, H607D.
Identifiers: ClinVar variation 2556137 (VCV002556137.3), dbSNP rs2523730387, ClinGen allele CA338130691.

ClinVar aggregate classification (germline): Uncertain significance (1 of 4 stars; one submission).

Conditions:
Inborn genetic diseases. Identifiers: MedGen C0950123, MeSH D030342.

Allele frequency attached by ClinVar (database versions not stated): gnomAD exomes below 0.00001.
gnomAD v4.1: 1 of 1,613,768 alleles (0.000062%); highest among the groups gnomAD compares: Non-Finnish European, 0.000085%; no homozygotes.

Submission:

Ambry Genetics
Classification: Uncertain significance for Inborn genetic diseases. Last evaluated: 2023-07-20. Review status: criteria provided, single submitter. Criteria: Ambry Variant Classification Scheme 2023. Collection method: clinical testing. Allele origin: germline.
Comment: The c.1819C>G (p.H607D) alteration is located in exon 9 (coding exon 9) of the CAMTA1 gene. This alteration results from a C to G substitution at nucleotide position 1819, causing the histidine (H) at amino acid position 607 to be replaced by an aspartic acid (D). This variant was not reported in population-based cohorts in the Genome Aggregation Database (gnomAD). This amino acid position is highly conserved in available vertebrate species. The in silico prediction for this alteration is inconclusive. Based on insufficient or conflicting evidence, the clinical significance of this alteration remains unclear.